The following is an entry in ClinVar:

NM_001349253.2(SCN11A):c.3449G>A (p.Arg1150Gln)

Gene: SCN11A (sodium voltage-gated channel alpha subunit 11; minus strand). Cytogenetic location: 3p22.2.
Variant type: single nucleotide variant.
Coding change: c.3449G>A on transcript NM_001349253.2 (MANE Select); coding-DNA position 3449, G replaced by A.
Protein change: p.Arg1150Gln; replaces arginine 1150 with glutamine.
Molecular consequence: missense variant.
Genome position (GRCh38, 1-based): chr3:38,872,239, C>T on the plus strand (G>A on the coding strand, the complement: SCN11A is on the minus strand). VCF-style: chr3-38872239-C-T. GRCh37 (hg19) VCF-style: chr3-38913730-C-T.
Other names: c.3449G>A, p.Arg1150Gln (NM_014139.3); short protein forms R1150Q.
Identifiers: ClinVar variation 1163827 (VCV001163827.10), dbSNP rs951508265, ClinGen allele CA352171335.
Genomic context (GRCh38, chr3:38,872,239, plus strand): 5'-TCTGCAGAATGTACCTTCATTCCTTCAAACTGGGACAGCGCACGAAGAGGCCTCAGTGCT[C>T]GTAGAGTCCGGAAGGACTTCAATTCCATTAAGTTAATGAGGGTGGTCACAGAGACCTGAT-3'
Protein context (NP_001336182.1, residues 1140-1160): LMELKSFRTL[Arg1150Gln]ALRPLRALSQ

ClinVar aggregate classification (germline): Uncertain significance. Review status: criteria provided, multiple submitters, no conflicts (2 of 4 stars). 3 submissions from 3 submitters: Uncertain significance (3). Last evaluated 2026-05-12.

Conditions:
Inborn genetic diseases. Identifiers: MedGen C0950123, MeSH D030342.
SCN11A-related disorder. Also called: SCN11A-related condition.

gnomAD v4.1: 10 of 1,611,338 alleles (0.00062%); highest among the groups gnomAD compares: Middle Eastern, 0.016%; no homozygotes.

Submissions (3):

PreventionGenetics, part of Exact Sciences
Classification: Uncertain significance for SCN11A-related condition. Last evaluated: 2026-05-12. Review status: criteria provided, single submitter. Criteria: ACMG Guidelines, 2015. Collection method: clinical testing. Allele origin: germline.
Comment: The SCN11A c.3449G>A variant is predicted to result in the amino acid substitution p.Arg1150Gln. To our knowledge, this variant has not been reported in the literature. This variant is reported in 0.00088% of alleles in individuals of European (non-Finnish) descent in gnomAD. At this time, the clinical significance of this variant is uncertain due to the absence of conclusive functional and genetic evidence.

Ambry Genetics
Classification: Uncertain significance for Inborn genetic diseases. Last evaluated: 2025-05-13. Review status: criteria provided, single submitter. Criteria: Ambry Variant Classification Scheme 2023. Collection method: clinical testing. Allele origin: germline.

Mayo Clinic Laboratories, Mayo Clinic
Classification: Uncertain significance. Last evaluated: 2019-07-28. Review status: criteria provided, single submitter. Criteria: ACMG Guidelines, 2015. Collection method: clinical testing. Allele origin: germline. Observed: 1 variant allele.